The following is an entry in ClinVar:

Conditions:
Breast-ovarian cancer, familial, susceptibility to, 1 (BROVCA1). Also called: BRCA1 Hereditary Breast and Ovarian Cancer; OVARIAN CANCER, SUSCEPTIBILITY TO. Identifiers: Orphanet 145, MedGen C2676676, MONDO:0011450, OMIM 604370. Disease mechanism: loss of function.

Submission:

Brotman Baty Institute, University of Washington
No classification provided (evidence only). Condition: Breast-ovarian cancer, familial 1. Review status: no classification provided. Collection method: in vitro. Allele origin: not applicable. Functional consequence: functionally_abnormal.
ClinVar note: "not provided" was previously submitted as the classification for the variant. However, the classification appeared to be based only on an observation of functional data so it was converted to no classification on 2025-07-30.

NM_007294.4(BRCA1):c.5112T>A (p.Phe1704Leu)

Gene: BRCA1 (BRCA1 DNA repair associated; minus strand). Cytogenetic location: 17q21.31.
Variant type: single nucleotide variant.
Coding change: c.5112T>A on transcript NM_007294.4 (MANE Select); coding-DNA position 5112, T replaced by A.
Protein change: p.Phe1704Leu; replaces phenylalanine 1704 with leucine.
Molecular consequence: missense variant. On other transcripts: non-coding transcript variant (1).
Genome position (GRCh38, 1-based): chr17:43,063,914, A>T on the plus strand (T>A on the coding strand, the complement: BRCA1 is on the minus strand). VCF-style: chr17-43063914-A-T. GRCh37 (hg19) VCF-style: chr17-41215931-A-T.
Other names: c.1725T>A, p.Phe575Leu (NM_001408411.1); c.1722T>A, p.Phe574Leu (NM_001408412.1, NM_001408413.1, NM_001408414.1 and 2 more transcripts); c.1686T>A, p.Phe562Leu (NM_001408418.1, NM_001408419.1, NM_001408420.1); c.1680T>A, p.Phe560Leu (NM_001408431.1, NM_001408425.1, NM_001408426.1 and 4 more transcripts); c.1677T>A, p.Phe559Leu (NM_001408432.1, NM_001408433.1, NM_001408434.1 and 10 more transcripts); c.1668T>A, p.Phe556Leu (NM_001408451.1); c.1662T>A, p.Phe554Leu (NM_001408452.1, NM_001408453.1, NM_001408454.1 and 3 more transcripts); c.1659T>A, p.Phe553Leu (NM_001408458.1, NM_001408459.1, NM_001408460.1 and 7 more transcripts); and 71 more; short protein forms F1704L, F1657L, F600L, F1725L, F530L, F533L, F558L, F560L.
Identifiers: ClinVar variation 864967 (VCV000864967.3), dbSNP rs2051921852, ClinGen allele CA10591305.